The following is an entry in ClinVar:

ClinVar aggregate classification (germline): Uncertain significance (1 of 4 stars; one submission).

Conditions:
Cardiovascular phenotype. Identifiers: MedGen CN230736.

Submission:

Ambry Genetics
Classification: Uncertain significance for Cardiovascular phenotype. Last evaluated: 2026-09-10. Review status: criteria provided, single submitter. Criteria: Ambry Variant Classification Scheme 2023. Collection method: clinical testing. Allele origin: germline.
Comment: The c.-3A>T variant is located in the 5' untranslated region (5&rsquo; UTR) of the RIT1 gene. This variant results from an A to T substitution 3 bases upstream from the first translated codon. This nucleotide position is well conserved in available vertebrate species. Based on the available evidence, the clinical significance of this variant remains unclear.

NM_006912.6(RIT1):c.-3A>T

Gene: RIT1 (Ras like without CAAX 1; minus strand). Cytogenetic location: 1q22.
Variant type: single nucleotide variant.
Coding change: c.-3A>T on transcript NM_006912.6 (MANE Select); 3 bases upstream of the start codon, A replaced by T.
Molecular consequence: 5 prime UTR variant. On other transcripts: missense variant (1), intron variant (1).
Genome position (GRCh38, 1-based): chr1:155,910,764, T>A on the plus strand (A>T on the coding strand, the complement: RIT1 is on the minus strand). VCF-style: chr1-155910764-T-A. GRCh37 (hg19) VCF-style: chr1-155880555-T-A.
Other names: c.49A>T, p.Thr17Ser (NM_001256821.2); c.-2-258A>T (NM_001256820.2); short protein forms T17S.
Identifiers: ClinVar variation 5028305 (VCV005028305.1).
Genomic context (GRCh38, chr1:155,910,764, plus strand): 5'-GTGAGAGCCCAGCGGGGCTGCTACAGCAGCTACCAACTGGGCGAGTTCCAGAATCCATTG[T>A]CCTCTTGGGGCCTTCCTCGGTTGCCCCGAGGAAAAGCCACCTAGAAAAGGAGGAGGAAAT-3'